The following is an entry in ClinVar:

ClinVar aggregate classification (germline): Likely benign. Review status: criteria provided, multiple submitters, no conflicts (2 of 4 stars). 2 submissions from 2 submitters: Likely benign (2). Last evaluated 2026-06-01.

Allele frequency attached by ClinVar (database versions not stated): gnomAD 0.00001; TOPMed 0.00001; gnomAD exomes 0.00002.
gnomAD v4.1: 20 of 1,021,420 alleles (0.002%); highest among the groups gnomAD compares: Admixed American, 0.0055%; no homozygotes.

Submissions (2):

CeGaT Center for Human Genetics Tuebingen
Classification: Likely benign. Last evaluated: 2026-06-01. Review status: criteria provided, single submitter. Criteria: CeGaT Center For Human Genetics Tuebingen Variant Classification Criteria Version 2. Collection method: clinical testing. Allele origin: germline. Affected: yes. Observed: 1 variant allele.
Comment: NR2F1: BP4, BP7

Labcorp Genetics (formerly Invitae), Labcorp
Classification: Likely benign. Last evaluated: 2023-04-14. Review status: criteria provided, single submitter. Criteria: Invitae Variant Classification Sherloc (09022015). Collection method: clinical testing. Allele origin: germline.

NM_005654.6(NR2F1):c.60C>T (p.Pro20=)

Genes: NR2F1-AS1 (NR2F1 regulatory antisense RNA 1; minus strand), NR2F1 (nuclear receptor subfamily 2 group F member 1; plus strand). Cytogenetic location: 5q15.
Variant type: single nucleotide variant.
Coding change: c.60C>T on transcript NM_005654.6 (MANE Select); coding-DNA position 60, C replaced by T.
Protein change: p.Pro20=; no amino-acid change (proline 20 retained).
Molecular consequence: synonymous variant.
Genome position (GRCh38, 1-based): chr5:93,585,083, C>T. VCF-style: chr5-93585083-C-T. GRCh37 (hg19) VCF-style: chr5-92920789-C-T.
Identifiers: ClinVar variation 2978628 (VCV002978628.5), dbSNP rs753932507, ClinGen allele CA445721989.